The following is an entry in ClinVar:

ClinVar aggregate classification (germline): Uncertain significance (1 of 4 stars; one submission).

gnomAD v4.1: 2 of 1,614,208 alleles (0.00012%); highest among the groups gnomAD compares: Non-Finnish European, 0.00017%; no homozygotes.

Submission:

GeneDx
Classification: Uncertain significance. Last evaluated: 2024-06-23. Review status: criteria provided, single submitter. Criteria: GeneDx Variant Classification Process June 2021. Collection method: clinical testing. Allele origin: germline. Affected: yes.
Comment: Not observed at significant frequency in large population cohorts (gnomAD); In silico analysis indicates that this missense variant does not alter protein structure/function; Has not been previously published as pathogenic or benign to our knowledge

NM_013450.4(BAZ2B):c.1430A>C (p.Asn477Thr)

Gene: BAZ2B (bromodomain adjacent to zinc finger domain 2B; minus strand). Cytogenetic location: 2q24.2.
Variant type: single nucleotide variant.
Coding change: c.1430A>C on transcript NM_013450.4 (MANE Select); coding-DNA position 1430, A replaced by C.
Protein change: p.Asn477Thr; replaces asparagine 477 with threonine.
Molecular consequence: missense variant.
Genome position (GRCh38, 1-based): chr2:159,433,227, T>G on the plus strand (A>C on the coding strand, the complement: BAZ2B is on the minus strand). VCF-style: chr2-159433227-T-G. GRCh37 (hg19) VCF-style: chr2-160289738-T-G.
Other names: c.1424A>C, p.Asn475Thr (NM_001289975.1); c.1241A>C, p.Asn414Thr (NM_001329857.2); c.1430A>C, p.Asn477Thr (NM_001329858.2); short protein forms N414T, N475T, N477T.
Identifiers: ClinVar variation 3392749 (VCV003392749.1).